The following is an entry in ClinVar:

NM_006846.4(SPINK5):c.1525A>G (p.Ile509Val)

Gene: SPINK5 (serine peptidase inhibitor Kazal type 5; plus strand). Cytogenetic location: 5q32.
Variant type: single nucleotide variant.
Coding change: c.1525A>G on transcript NM_006846.4 (MANE Select); coding-DNA position 1525, A replaced by G.
Protein change: p.Ile509Val; replaces isoleucine 509 with valine.
Molecular consequence: missense variant.
Genome position (GRCh38, 1-based): chr5:148,107,082, A>G. VCF-style: chr5-148107082-A-G. GRCh37 (hg19) VCF-style: chr5-147486645-A-G.
Other names: c.1525A>G, p.Ile509Val (NM_001127698.2, NM_001127699.2); c.1525A>G (NM_006846.3); short protein forms I509V.
Identifiers: ClinVar variation 1050956 (VCV001050956.9), dbSNP rs201926841, ClinGen allele CA3495649.

ClinVar aggregate classification (germline): Uncertain significance. Review status: criteria provided, multiple submitters, no conflicts (2 of 4 stars). 2 submissions from 2 submitters: Uncertain significance (2). Last evaluated 2025-09-01.

Conditions:
Inborn genetic diseases. Identifiers: MedGen C0950123, MeSH D030342.
Netherton syndrome (NETH). Also called: ERYTHRODERMA, ICHTHYOSIFORM, WITH HYPOTRICHOSIS AND HYPER-IgE; COMEL-NETHERTON SYNDROME; NETHERTON DISEASE. Identifiers: Orphanet 634, MedGen C5574950, MONDO:0009735, OMIM 256500.

Allele frequency attached by ClinVar (database versions not stated): gnomAD 0.00001 and 0.00004; gnomAD exomes 0.00001 and 0.00003; ExAC 0.00002; 1000 Genomes Project 30x 0.00016; 1000 Genomes Project 0.00020.
gnomAD v4.1: 46 of 1,613,300 alleles (0.0029%); highest among the groups gnomAD compares: Non-Finnish European, 0.0034%; no homozygotes.

Submissions (2):

Ambry Genetics
Classification: Uncertain significance for Inborn genetic diseases. Last evaluated: 2025-09-01. Review status: criteria provided, single submitter. Criteria: Ambry Variant Classification Scheme 2023. Collection method: clinical testing. Allele origin: germline.

Labcorp Genetics (formerly Invitae), Labcorp
Classification: Uncertain significance for Ichthyosis linearis circumflexa. Last evaluated: 2022-08-23. Review status: criteria provided, single submitter. Criteria: Invitae Variant Classification Sherloc (09022015). Collection method: clinical testing. Allele origin: germline.
Comment: This sequence change replaces isoleucine, which is neutral and non-polar, with valine, which is neutral and non-polar, at codon 509 of the SPINK5 protein (p.Ile509Val). This variant is present in population databases (rs201926841, gnomAD 0.0009%). This variant has not been reported in the literature in individuals affected with SPINK5-related conditions. ClinVar contains an entry for this variant (Variation ID: 1050956). Algorithms developed to predict the effect of missense changes on protein structure and function (SIFT, PolyPhen-2, Align-GVGD) all suggest that this variant is likely to be tolerated. Algorithms developed to predict the effect of sequence changes on RNA splicing suggest that this variant may create or strengthen a splice site. In summary, the available evidence is currently insufficient to determine the role of this variant in disease. Therefore, it has been classified as a Variant of Uncertain Significance.